The following is an entry in ClinVar:

ClinVar aggregate classification (germline): Likely benign. Review status: criteria provided, multiple submitters, no conflicts (2 of 4 stars). 2 submissions from 2 submitters: Likely benign (2). Last evaluated 2026-01-28.

Conditions:
ZBTB24-related disorder. Also called: ZBTB24-related condition.
Immunodeficiency-centromeric instability-facial anomalies syndrome 2 (ICF2). Identifiers: Orphanet 2268, MedGen C3279748, MONDO:0013553, OMIM 614069.

Allele frequency attached by ClinVar (database versions not stated): gnomAD exomes 0.00001 and 0.00002; ExAC 0.00003; gnomAD 0.00008 and 0.00009; TOPMed 0.00008.

Submissions (2):

Labcorp Genetics (formerly Invitae), Labcorp
Classification: Likely benign for Immunodeficiency-centromeric instability-facial anomalies syndrome 2. Last evaluated: 2026-01-28. Review status: criteria provided, single submitter. Criteria: Invitae Variant Classification Sherloc (09022015). Collection method: clinical testing. Allele origin: germline.

PreventionGenetics, part of Exact Sciences
Classification: Likely benign for ZBTB24-related condition. Last evaluated: 2024-11-20. Review status: criteria provided, single submitter. Criteria: ACMG Guidelines, 2015. Collection method: clinical testing. Allele origin: germline.
Comment: This variant is classified as likely benign based on ACMG/AMP sequence variant interpretation guidelines (Richards et al. 2015 PMID: 25741868, with internal and published modifications).

NM_014797.3(ZBTB24):c.1734A>G (p.Ala578=)

Gene: ZBTB24 (zinc finger and BTB domain containing 24; minus strand). Cytogenetic location: 6q21.
Variant type: single nucleotide variant.
Coding change: c.1734A>G on transcript NM_014797.3 (MANE Select); coding-DNA position 1734, A replaced by G.
Protein change: p.Ala578=; no amino-acid change (alanine 578 retained).
Molecular consequence: synonymous variant.
Genome position (GRCh38, 1-based): chr6:109,466,211, T>C on the plus strand (A>G on the coding strand, the complement: ZBTB24 is on the minus strand). VCF-style: chr6-109466211-T-C. GRCh37 (hg19) VCF-style: chr6-109787414-T-C.
Identifiers: ClinVar variation 764021 (VCV000764021.9), dbSNP rs753127074, ClinGen allele CA3954024.
Genomic context (GRCh38, chr6:109,466,211, plus strand): 5'-CTGCTGCGTGAGCAGGGTAAGATTAGCAGCCTGGTCTGCAGTCATGTTTTGGGAACTCTC[T>C]GCAGTCACAATGCTGATTCCCTGGCTAGGACCGGGCATGAAATTGATGTTATGTACAGAA-3'
Protein context (NP_055612.2, residues 568-588): GPSQGISIVT[Ala578=]ESSQNMTADQ